The following is an entry in ClinVar:

ClinVar aggregate classification (germline): Uncertain significance (1 of 4 stars; one submission).

Allele frequency attached by ClinVar (database versions not stated): gnomAD exomes below 0.00001.
gnomAD v4.1: 6 of 1,614,204 alleles (0.00037%); highest among the groups gnomAD compares: Non-Finnish European, 0.00051%; no homozygotes.

Submission:

Ambry Genetics
Classification: Uncertain significance. Last evaluated: 2025-10-29. Review status: criteria provided, single submitter. Criteria: Ambry Variant Classification Scheme 2023. Collection method: clinical testing. Allele origin: germline.
Comment: The p.Y1204C variant (also known as c.3611A>G), located in coding exon 32 of the KIF1B gene, results from an A to G substitution at nucleotide position 3611. The tyrosine at codon 1204 is replaced by cysteine, an amino acid with highly dissimilar properties. This amino acid position is conserved. In addition, this alteration is predicted to be deleterious by in silico analysis. Since supporting evidence is limited at this time, the clinical significance of this alteration remains unclear.

NM_001365951.3(KIF1B):c.3749A>G (p.Tyr1250Cys)

Gene: KIF1B (kinesin family member 1B; plus strand). Cytogenetic location: 1p36.22.
Variant type: single nucleotide variant.
Coding change: c.3749A>G on transcript NM_001365951.3 (MANE Select); coding-DNA position 3749, A replaced by G.
Protein change: p.Tyr1250Cys; replaces tyrosine 1250 with cysteine.
Molecular consequence: missense variant.
Genome position (GRCh38, 1-based): chr1:10,345,905, A>G. VCF-style: chr1-10345905-A-G. GRCh37 (hg19) VCF-style: chr1-10405963-A-G.
Other names: c.3749A>G, p.Tyr1250Cys (NM_001365952.1); c.3611A>G, p.Tyr1204Cys (NM_015074.3); short protein forms Y1250C, Y1204C.
Identifiers: ClinVar variation 2625000 (VCV002625000.3), dbSNP rs2521777323, ClinGen allele CA338342471.